The following is an entry in ClinVar:

NM_001129.5(AEBP1):c.653G>A (p.Arg218Gln)

Gene: AEBP1 (AE binding protein 1; plus strand). Cytogenetic location: 7p13.
Variant type: single nucleotide variant.
Coding change: c.653G>A on transcript NM_001129.5 (MANE Select); coding-DNA position 653, G replaced by A.
Protein change: p.Arg218Gln; replaces arginine 218 with glutamine.
Molecular consequence: missense variant.
Genome position (GRCh38, 1-based): chr7:44,107,496, G>A. VCF-style: chr7-44107496-G-A. GRCh37 (hg19) VCF-style: chr7-44147095-G-A.
Other names: short protein forms R218Q.
Identifiers: ClinVar variation 4688469 (VCV004688469.1).

ClinVar aggregate classification (germline): Uncertain significance (1 of 4 stars; one submission).

Submission:

Women's Health and Genetics/Laboratory Corporation of America, LabCorp
Classification: Uncertain significance. Last evaluated: 2025-12-09. Review status: criteria provided, single submitter. Criteria: LabCorp Variant Classification Summary - May 2015. Collection method: clinical testing. Allele origin: germline.
Comment: Variant summary: AEBP1 c.653G>A (p.Arg218Gln) results in a conservative amino acid change in the encoded protein sequence. Algorithms developed to predict the effect of missense changes on protein structure and function all suggest that this variant is likely to be tolerated. The frequency data for this variant in gnomAD is considered unreliable, as metrics indicate poor data quality at this position. To our knowledge, no occurrence of c.653G>A in individuals affected with AEBP1-related conditions and no experimental evidence demonstrating its impact on protein function have been reported. No submitters have cited clinical-significance assessments for this variant to ClinVar. Based on the evidence outlined above, the variant was classified as uncertain significance.